The following is an entry in ClinVar:

NM_000090.4(COL3A1):c.3269dup (p.Arg1091fs)

Gene: COL3A1 (collagen type III alpha 1 chain; plus strand). Cytogenetic location: 2q32.2.
Variant type: Duplication.
Coding change: c.3269dup on transcript NM_000090.4 (MANE Select); coding-DNA position 3269, one base duplicated (C; older notation c.3269dupC).
Protein change: p.Arg1091fs; shifts the reading frame from arginine 1091.
Molecular consequence: frameshift variant.
Genome position (GRCh38, 1-based): chr2:189,007,513, C duplicated; the last of 3 consecutive C bases (chr2:189,007,511-189,007,513); duplicating any one gives the same sequence. VCF-style (leftmost placement, unchanged base first): chr2-189007510-G-GC. GRCh37 (hg19) VCF-style: chr2-189872236-G-GC.
Other names: short protein forms R1091fs.
Identifiers: ClinVar variation 4723162 (VCV004723162.1).

ClinVar aggregate classification (germline): Pathogenic (1 of 4 stars; one submission).

Conditions:
Ehlers-Danlos syndrome, type 4 (EDSVASC). Also called: Ehlers-Danlos syndrome vascular type; Ehlers Danlos syndrome, ecchymotic type; Ehlers Danlos syndrome, arterial type; Ehlers Danlos syndrome, Sack-Barabas type; Ehlers-Danlos Syndrome Type IV. Identifiers: Orphanet 286, MedGen C0268338, MONDO:0017314, OMIM 130050.

Submission:

Labcorp Genetics (formerly Invitae), Labcorp
Classification: Pathogenic for Ehlers-Danlos syndrome, type 4. Last evaluated: 2025-07-13. Review status: criteria provided, single submitter. Criteria: Invitae Variant Classification Sherloc (09022015). Collection method: clinical testing. Allele origin: germline.
Comment: This sequence change creates a premature translational stop signal (p.Arg1091Thrfs*3) in the COL3A1 gene. It is expected to result in an absent or disrupted protein product. Loss-of-function variants in COL3A1 are known to be pathogenic (PMID: 24922459). This variant is not present in population databases (gnomAD no frequency). This variant has not been reported in the literature in individuals affected with COL3A1-related conditions. For these reasons, this variant has been classified as Pathogenic.

Literature cited by the submitters: PubMed 24922459.